The following is an entry in ClinVar:

NM_001164508.2(NEB):c.9419T>C (p.Ile3140Thr)

Gene: NEB (nebulin; minus strand). Cytogenetic location: 2q23.3.
Variant type: single nucleotide variant.
Coding change: c.9419T>C on transcript NM_001164508.2 (MANE Select); coding-DNA position 9419, T replaced by C.
Protein change: p.Ile3140Thr; replaces isoleucine 3140 with threonine.
Molecular consequence: missense variant. On other transcripts: intron variant (1).
Genome position (GRCh38, 1-based): chr2:151,631,342, A>G on the plus strand (T>C on the coding strand, the complement: NEB is on the minus strand). VCF-style: chr2-151631342-A-G. GRCh37 (hg19) VCF-style: chr2-152487856-A-G.
Other names: c.9419T>C, p.Ile3140Thr (NM_001164507.2, NM_001271208.2); c.8854-164T>C (NM_004543.5); short protein forms I3140T.
Identifiers: ClinVar variation 1404035 (VCV001404035.6), dbSNP rs774964206, ClinGen allele CA1909323.
Genomic context (GRCh38, chr2:151,631,342, plus strand): 5'-TCCATAGACCCAATGGGGACCCAGCCAATGCCTCTCAGCCACTGGAGATCTGACTTGTAA[A>G]TATTCTGAGCAGAGGAAAAAAGTCAAAAACTCTTCATCAAGACCACAATATTTAGGGTAA-3'
Protein context (NP_001157980.2, residues 3130-3150): RQAYDLQSDN[Ile3140Thr]YKSDLQWLRG

ClinVar aggregate classification (germline): Uncertain significance (1 of 4 stars; one submission).

Conditions:
Nemaline myopathy 2 (NEM2). Also called: Nemaline myopathy 2, autosomal recessive. Identifiers: MedGen C1850569, MONDO:0009725, OMIM 256030.

Allele frequency attached by ClinVar (database versions not stated): gnomAD exomes below 0.00001 and 0.00001; ExAC 0.00001; gnomAD 0.00001; TOPMed 0.00002.
gnomAD v4.1: 5 of 1,612,734 alleles (0.00031%); highest among the groups gnomAD compares: African/African-American, 0.004%; no homozygotes.

Submission:

Labcorp Genetics (formerly Invitae), Labcorp
Classification: Uncertain significance for Nemaline myopathy 2. Last evaluated: 2022-08-16. Review status: criteria provided, single submitter. Criteria: Invitae Variant Classification Sherloc (09022015). Collection method: clinical testing. Allele origin: germline.
Comment: This sequence change replaces isoleucine, which is neutral and non-polar, with threonine, which is neutral and polar, at codon 3140 of the NEB protein (p.Ile3140Thr). This variant is present in population databases (rs774964206, gnomAD 0.01%). This variant has not been reported in the literature in individuals affected with NEB-related conditions. ClinVar contains an entry for this variant (Variation ID: 1404035). Algorithms developed to predict the effect of missense changes on protein structure and function are either unavailable or do not agree on the potential impact of this missense change (SIFT: "Deleterious"; PolyPhen-2: "Not Available"; Align-GVGD: "Class C0"). In summary, the available evidence is currently insufficient to determine the role of this variant in disease. Therefore, it has been classified as a Variant of Uncertain Significance.